The following is an entry in ClinVar:

NM_001080449.3(DNA2):c.1938C>T (p.Ile646=)

Gene: DNA2 (DNA replication helicase/nuclease 2; minus strand). Cytogenetic location: 10q21.3.
Variant type: single nucleotide variant.
Coding change: c.1938C>T on transcript NM_001080449.3 (MANE Select); coding-DNA position 1938, C replaced by T.
Protein change: p.Ile646=; no amino-acid change (isoleucine 646 retained).
Molecular consequence: synonymous variant. On other transcripts: non-coding transcript variant (1).
Genome position (GRCh38, 1-based): chr10:68,431,907, G>A on the plus strand (C>T on the coding strand, the complement: DNA2 is on the minus strand). VCF-style: chr10-68431907-G-A. GRCh37 (hg19) VCF-style: chr10-70191664-G-A.
Identifiers: ClinVar variation 1930472 (VCV001930472.5), dbSNP rs745691227, ClinGen allele CA5524937.
Genomic context (GRCh38, chr10:68,431,907, plus strand): 5'-GAATAATAACCTTACGAGAGTACATATCGTAGTTGTTTTTCCTGTCCCAGGCATACCCAC[G>A]ATGAGTGTGTAGTCTTTTGAAAGAAGTACCTTTTTCATCGCTTGCCTCTGAGGCTTATTC-3'
Protein context (NP_001073918.2, residues 636-656): KVLLSKDYTL[Ile646=]VGMPGTGKTT

ClinVar aggregate classification (germline): Uncertain significance (1 of 4 stars; one submission).

Allele frequency attached by ClinVar (database versions not stated): TOPMed 0.00001; ExAC 0.00002.
gnomAD v4.1: 12 of 1,613,774 alleles (0.00074%); highest among the groups gnomAD compares: Admixed American, 0.0017%; no homozygotes.

Submission:

Labcorp Genetics (formerly Invitae), Labcorp
Classification: Uncertain significance. Last evaluated: 2023-02-24. Review status: criteria provided, single submitter. Criteria: Invitae Variant Classification Sherloc (09022015). Collection method: clinical testing. Allele origin: germline.
Comment: In summary, the available evidence is currently insufficient to determine the role of this variant in disease. Therefore, it has been classified as a Variant of Uncertain Significance. Algorithms developed to predict the effect of sequence changes on RNA splicing suggest that this variant may disrupt the consensus splice site. ClinVar contains an entry for this variant (Variation ID: 1930472). This variant has not been reported in the literature in individuals affected with DNA2-related conditions. This variant is present in population databases (rs745691227, gnomAD 0.007%). This sequence change affects codon 646 of the DNA2 mRNA. It is a 'silent' change, meaning that it does not change the encoded amino acid sequence of the DNA2 protein.